The following is an entry in ClinVar:

ClinVar aggregate classification (germline): Uncertain significance. Review status: criteria provided, multiple submitters, no conflicts (2 of 4 stars). 5 submissions from 4 submitters: Uncertain significance (4). 1 of the submissions does not count toward it. Last evaluated 2023-11-04.

Conditions:
Usher syndrome type 2A. Also called: RETINAL DISEASE IN USHER SYNDROME TYPE IIA, MODIFIER OF; USHER SYNDROME, TYPE IIA. Identifiers: Orphanet 231178, Orphanet 886, MedGen C1848634, MONDO:0010169, OMIM 276901.
Retinitis pigmentosa 39 (RP39). Identifiers: Orphanet 791, MedGen C3151138, MONDO:0013436, OMIM 613809.

gnomAD v4.1: 5 of 1,613,784 alleles (0.00031%); highest among the groups gnomAD compares: African/African-American, 0.0013%; no homozygotes.

Submissions (5):

Genome-Nilou Lab
Classification: Uncertain significance for Retinitis pigmentosa 39. Last evaluated: 2023-11-04. Review status: criteria provided, single submitter. Criteria: ACMG Guidelines, 2015. Collection method: clinical testing. Allele origin: germline. Affected: no.

Genome-Nilou Lab
Classification: Uncertain significance for Usher syndrome type 2A. Last evaluated: 2023-11-04. Review status: criteria provided, single submitter. Criteria: ACMG Guidelines, 2015. Collection method: clinical testing. Allele origin: germline. Affected: no.

Labcorp Genetics (formerly Invitae), Labcorp
Classification: Uncertain significance. Last evaluated: 2022-02-05. Review status: criteria provided, single submitter. Criteria: Invitae Variant Classification Sherloc (09022015). Collection method: clinical testing. Allele origin: germline.
Comment: This sequence change replaces arginine, which is basic and polar, with proline, which is neutral and non-polar, at codon 63 of the USH2A protein (p.Arg63Pro). This variant is not present in population databases (gnomAD no frequency). This variant has not been reported in the literature in individuals affected with USH2A-related conditions. ClinVar contains an entry for this variant (Variation ID: 972401). Algorithms developed to predict the effect of missense changes on protein structure and function output the following: SIFT: "Tolerated"; PolyPhen-2: "Benign"; Align-GVGD: "Class C0". The proline amino acid residue is found in multiple mammalian species, which suggests that this missense change does not adversely affect protein function. In summary, the available evidence is currently insufficient to determine the role of this variant in disease. Therefore, it has been classified as a Variant of Uncertain Significance.

Fulgent Genetics
Classification: Uncertain significance for Usher syndrome type 2A; Retinitis pigmentosa 39. Last evaluated: 2021-07-25. Review status: criteria provided, single submitter. Criteria: ACMG Guidelines, 2015. Collection method: clinical testing. Allele origin: unknown.

Natera, Inc.
Classification: Uncertain significance for Usher syndrome type 2A. Last evaluated: 2021-05-26. Review status: no assertion criteria provided. Collection method: clinical testing. Allele origin: germline. Not counted in ClinVar's aggregate classification.

NM_206933.4(USH2A):c.188G>C (p.Arg63Pro)

Gene: USH2A (usherin; minus strand). Cytogenetic location: 1q41.
Variant type: single nucleotide variant.
Coding change: c.188G>C on transcript NM_206933.4 (MANE Select); coding-DNA position 188, G replaced by C.
Protein change: p.Arg63Pro; replaces arginine 63 with proline.
Molecular consequence: missense variant.
Genome position (GRCh38, 1-based): chr1:216,422,149, C>G on the plus strand (G>C on the coding strand, the complement: USH2A is on the minus strand). VCF-style: chr1-216422149-C-G. GRCh37 (hg19) VCF-style: chr1-216595491-C-G.
Other names: c.188G>C, p.Arg63Pro (NM_007123.6); short protein forms R63P.
Identifiers: ClinVar variation 972401 (VCV000972401.9), dbSNP rs369806765, ClinGen allele CA344904640.
Genomic context (GRCh38, chr1:216,422,149, plus strand): 5'-AACCGCTGGGTACAGAACTGAATACTTTCAGCAGCAGCAGAGCTGTGACAAAAAGTGCTT[C>G]GGTCTGGGAGTCCACATACTGCTTGGGTTGGCACGATGGAAACTTTCTTGAAAGCTCCCA-3'
Protein context (NP_996816.3, residues 53-73): PTQAVCGLPD[Arg63Pro]STFCHSSAAA